The following is an entry in ClinVar:

ClinVar aggregate classification (germline): Likely benign (1 of 4 stars; one submission).

Conditions:
PKD1L1-related disorder. Also called: PKD1L1-related condition.

gnomAD v4.1: 22 of 1,613,948 alleles (0.0014%); highest among the groups gnomAD compares: Non-Finnish European, 0.0018%; no homozygotes.

Submission:

PreventionGenetics, part of Exact Sciences
Classification: Likely benign for PKD1L1-related condition. Last evaluated: 2025-08-29. Review status: criteria provided, single submitter. Criteria: ACMG Guidelines, 2015. Collection method: clinical testing. Allele origin: germline.
Comment: This variant is classified as likely benign based on ACMG/AMP sequence variant interpretation guidelines (Richards et al. 2015 PMID: 25741868, with internal and published modifications).

NM_138295.5(PKD1L1):c.2178T>C (p.Pro726=)

Gene: PKD1L1 (polycystin 1 like 1, transient receptor potential channel interacting; minus strand). Cytogenetic location: 7p12.3.
Variant type: single nucleotide variant.
Coding change: c.2178T>C on transcript NM_138295.5 (MANE Select); coding-DNA position 2178, T replaced by C.
Protein change: p.Pro726=; no amino-acid change (proline 726 retained).
Molecular consequence: synonymous variant.
Genome position (GRCh38, 1-based): chr7:47,898,081, A>G on the plus strand (T>C on the coding strand, the complement: PKD1L1 is on the minus strand). VCF-style: chr7-47898081-A-G. GRCh37 (hg19) VCF-style: chr7-47937678-A-G.
Identifiers: ClinVar variation 4990537 (VCV004990537.1).